The following is an entry in ClinVar:

ClinVar aggregate classification (germline): Uncertain significance (1 of 4 stars; one submission).

Conditions:
Anauxetic dysplasia. Identifiers: Orphanet 93347, MedGen C1846796, MONDO:0011773.

Submission:

Labcorp Genetics (formerly Invitae), Labcorp
Classification: Uncertain significance for Anauxetic dysplasia. Last evaluated: 2021-07-14. Review status: criteria provided, single submitter. Criteria: Invitae Variant Classification Sherloc (09022015). Collection method: clinical testing. Allele origin: germline.
Comment: This variant occurs in the RMRP gene, which encodes an RNA molecule that does not result in a protein product. The frequency data for this variant in the population databases is considered unreliable, as metrics indicate insufficient coverage at this position in the ExAC database. This variant has not been reported in the literature in individuals affected with RMRP-related conditions. Experimental studies and prediction algorithms are not available or were not evaluated, and the functional significance of this variant is currently unknown. In summary, the available evidence is currently insufficient to determine the role of this variant in disease. Therefore, it has been classified as a Variant of Uncertain Significance.

NC_000009.12:g.35658102G>A

Gene: RMRP (RNA component of mitochondrial RNA processing endoribonuclease; minus strand). Cytogenetic location: 9p13.3.
Variant type: single nucleotide variant.
Genome position: GRCh38 VCF-style: chr9-35658102-G-A. GRCh37 (hg19) VCF-style: chr9-35658099-G-A.
Identifiers: ClinVar variation 1022328 (VCV001022328.2), dbSNP rs1437731699, ClinGen allele CA1123200188.